The following is an entry in ClinVar:

NM_001614.5(ACTG1):c.520G>A (p.Ala174Thr)

Gene: ACTG1 (actin gamma 1; minus strand). Cytogenetic location: 17q25.3.
Variant type: single nucleotide variant.
Coding change: c.520G>A on transcript NM_001614.5 (MANE Select); coding-DNA position 520, G replaced by A.
Protein change: p.Ala174Thr; replaces alanine 174 with threonine.
Molecular consequence: missense variant. On other transcripts: non-coding transcript variant (1).
Genome position (GRCh38, 1-based): chr17:81,511,470, C>T on the plus strand (G>A on the coding strand, the complement: ACTG1 is on the minus strand). VCF-style: chr17-81511470-C-T. GRCh37 (hg19) VCF-style: chr17-79478496-C-T.
Other names: c.520G>A, p.Ala174Thr (NM_001199954.3); short protein forms A174T.
Identifiers: ClinVar variation 1699119 (VCV001699119.3), dbSNP rs587780274, ClinGen allele CA401460850.
Genomic context (GRCh38, chr17:81,511,470, plus strand): 5'-TGAGGATCTTCATGAGGTAGTCGGTCAGGTCCCGGCCAGCCAGGTCCAGACGCAGGATGG[C>T]GTGGGGGAGGGCGTAGCCCTCGTAGATGGGCACCGTGTGGGTGACCCCGTCTCCAGAGTC-3'
Protein context (NP_001605.1, residues 164-184): PIYEGYALPH[Ala174Thr]ILRLDLAGRD

ClinVar aggregate classification (germline): Uncertain significance (1 of 4 stars; one submission).

Conditions:
Autosomal dominant nonsyndromic hearing loss 20. Identifiers: Orphanet 90635, MedGen C1858172, MONDO:0011480, OMIM 604717.

Allele frequency attached by ClinVar (database versions not stated): gnomAD exomes below 0.00001.

Submission:

Victorian Clinical Genetics Services, Murdoch Childrens Research Institute
Classification: Uncertain significance for Autosomal dominant nonsyndromic hearing loss 20. Last evaluated: 2020-10-19. Review status: criteria provided, single submitter. Criteria: ACMG Guidelines, 2015. Collection method: clinical testing. Allele origin: germline. Inheritance: Autosomal dominant inheritance.
Comment: Based on the classification scheme VCGS_Germline_v1.1.1, this variant is classified as 3B-VUS. Following criteria are met: 0101 - Gain-of-function is a known mechanism of disease for this gene. (N) 0107 - This gene is known to be associated with autosomal dominant disease. (N) 0200 - Variant is predicted to result in a missense amino acid change from alanine to threonine (exon 4). (N) 0251 - Variant is heterozygous. (N) 0301 - Variant is absent from gnomAD. (P) 0309 - An alternative amino acid change at the same position has been observed in gnomAD v2 (1 heterozygote, 0 homozygotes). (N) 0502 - Missense variant with conflicting in silico predictions and/or uninformative conservation. (N) 0603 - Missense variant in a region that is highly intolerant to missense variation (high constraint region) (actin domain; PDB). (P) 0705 - No comparable variants have previous evidence for pathogenicity. Alternative changes at the same residue (p.Ala174Ser, p.Ala174Gly) have been reported as VUS (ClinVar, deafnessvariationdatabase, LOVD, PMID: 29907799). (N) 0807 - Variant has not previously been reported in a clinical context. (N) 0905 - No segregation evidence has been identified for this variant. (N) 1007 - No published functional evidence has been identified for this variant. (N) 1208 - Inheritance information for this variant is not currently available. (N) Legend: (P) - Pathogenic, (N) - Neutral, (B) - Benign

Literature cited by the submitters: PubMed 29907799.